The following is an entry in ClinVar:

ClinVar aggregate classification (germline): Uncertain significance (1 of 4 stars; one submission).

Conditions:
Hereditary cancer-predisposing syndrome. Also called: Neoplastic Syndromes, Hereditary; Tumor predisposition; Hereditary Cancer Syndrome; Hereditary neoplastic syndrome. Identifiers: Orphanet 140162, MedGen C0027672, MeSH D009386, MONDO:0015356.

gnomAD v4.1: 1 of 1,550,396 alleles (0.000064%); highest among the groups gnomAD compares: African/African-American, 0.0014%; no homozygotes.

Submission:

Ambry Genetics
Classification: Uncertain significance for Hereditary cancer-predisposing syndrome. Last evaluated: 2025-09-19. Review status: criteria provided, single submitter. Criteria: Ambry Variant Classification Scheme 2023. Collection method: clinical testing. Allele origin: germline.
Comment: The c.5173+1G>C intronic variant results from a G to C substitution one nucleotide after coding exon 38 of the POLE gene. This nucleotide position is highly conserved in available vertebrate species. In silico splice site analysis predicts that this alteration will weaken the native splice donor site. Alterations that disrupt the canonical splice site are expected to cause aberrant splicing, resulting in an abnormal protein or a transcript that is subject to nonsense-mediated mRNA decay. Although biallelic loss of function of POLE has been associated with autosomal recessive POLE deficiency, haploinsufficiency of POLE has not been established as a mechanism of disease for POLE-related polymerase proofreading-associated polyposis (PPAP) and POLE-related CMMRD-like syndrome. Based on the supporting evidence, this variant is expected to be causative of POLE deficiency when present along with a second pathogenic variant on the other allele; however, its clinical significance for PPAP and POLE-related CMMRD-like syndrome is unclear.

NM_006231.4(POLE):c.5173+1G>C

Gene: POLE (DNA polymerase epsilon, catalytic subunit; minus strand). Cytogenetic location: 12q24.33.
Variant type: single nucleotide variant.
Coding change: c.5173+1G>C on transcript NM_006231.4 (MANE Select); the canonical splice donor site of the intron after coding-DNA position 5173, G replaced by C.
Molecular consequence: splice donor variant.
Genome position (GRCh38, 1-based): chr12:132,642,176, C>G on the plus strand (G>C on the coding strand, the complement: POLE is on the minus strand). VCF-style: chr12-132642176-C-G. GRCh37 (hg19) VCF-style: chr12-133218762-C-G.
Identifiers: ClinVar variation 4670741 (VCV004670741.1).
Genomic context (GRCh38, chr12:132,642,176, plus strand): 5'-TGTCACAGAATGGCAGAAACACCAGCCAGGTCTCATGGGCCTCGTCCTCCCGCCCACTTA[C>G]CTGTGGAGTAACAGCCTGAACTGTTGATCTCAACAGTGGCTTGGTCATCGAACTCCATGA-3'